The following is an entry in ClinVar:

NM_152906.7(TANGO2):c.459C>T (p.Tyr153=)

Gene: TANGO2 (transport and golgi organization 2 homolog; plus strand). Cytogenetic location: 22q11.21.
Variant type: single nucleotide variant.
Coding change: c.459C>T on transcript NM_152906.7 (MANE Select); coding-DNA position 459, C replaced by T.
Protein change: p.Tyr153=; no amino-acid change (tyrosine 153 retained).
Molecular consequence: synonymous variant. On other transcripts: non-coding transcript variant (3), intron variant (4).
Genome position (GRCh38, 1-based): chr22:20,061,537, C>T. VCF-style: chr22-20061537-C-T. GRCh37 (hg19) VCF-style: chr22-20049060-C-T.
Other names: c.459C>T, p.Tyr153= (NM_001283106.3, NM_001283116.3, NM_001283148.3 and 2 more transcripts); c.582C>T, p.Tyr194= (NM_001283129.3, NM_001322141.2, NM_001322143.2 and 1 more transcripts); c.273C>T, p.Tyr91= (NM_001283179.3, NM_001283186.3, NM_001322163.2 and 3 more transcripts); c.165C>T, p.Tyr55= (NM_001283235.3, NM_001322150.2, NM_001322153.2 and 6 more transcripts); c.396C>T, p.Tyr132= (NM_001322145.2, NM_001322147.2); c.357C>T, p.Tyr119= (NM_001322146.2, NM_001322148.2, NM_001322160.2); c.381-1801C>T (NM_001283199.3); c.575-3005C>T (NM_001283215.3); and 3 more.
Identifiers: ClinVar variation 1536898 (VCV001536898.10), dbSNP rs535057165, ClinGen allele CA10106462.

ClinVar aggregate classification (germline): Likely benign. Review status: criteria provided, single submitter (1 of 4 stars). 2 submissions from 2 submitters: Likely benign (1). 1 of the submissions does not count toward it. Last evaluated 2025-03-07.

Conditions:
TANGO2-related disorder. Also called: TANGO2-related condition.

Allele frequency attached by ClinVar (database versions not stated): ExAC 0.00001; gnomAD 0.00001 and 0.00002; gnomAD exomes 0.00001 and 0.00002; TOPMed 0.00002; 1000 Genomes Project 0.00020; 1000 Genomes Project 30x 0.00031.
gnomAD v4.1: 18 of 1,604,768 alleles (0.0011%); highest among the groups gnomAD compares: African/African-American, 0.004%; no homozygotes.

Submissions (2):

Labcorp Genetics (formerly Invitae), Labcorp
Classification: Likely benign. Last evaluated: 2025-03-07. Review status: criteria provided, single submitter. Criteria: Invitae Variant Classification Sherloc (09022015). Collection method: clinical testing. Allele origin: germline.

PreventionGenetics, part of Exact Sciences
Classification: Likely benign for TANGO2-related condition. Last evaluated: 2022-01-10. Review status: no assertion criteria provided. Collection method: clinical testing. Allele origin: germline. Not counted in ClinVar's aggregate classification.
Comment: This variant is classified as likely benign based on ACMG/AMP sequence variant interpretation guidelines (Richards et al. 2015 PMID: 25741868, with internal and published modifications).